The following is an entry in ClinVar:

ClinVar aggregate classification (germline): Uncertain significance (1 of 4 stars; one submission).

Allele frequency attached by ClinVar (database versions not stated): gnomAD 0.00002.
gnomAD v4.1: 29 of 1,612,628 alleles (0.0018%); highest among the groups gnomAD compares: Non-Finnish European, 0.0021%; no homozygotes.

Submission:

Labcorp Genetics (formerly Invitae), Labcorp
Classification: Uncertain significance. Last evaluated: 2025-07-30. Review status: criteria provided, single submitter. Criteria: Invitae Variant Classification Sherloc (09022015). Collection method: clinical testing. Allele origin: germline.
Comment: This sequence change replaces alanine, which is neutral and non-polar, with proline, which is neutral and non-polar, at codon 227 of the RTN4IP1 protein (p.Ala227Pro). This variant is present in population databases (no rsID available, gnomAD 0.002%). This variant has not been reported in the literature in individuals affected with RTN4IP1-related conditions. ClinVar contains an entry for this variant (Variation ID: 1939172). Invitae Evidence Modeling of protein sequence and biophysical properties (such as structural, functional, and spatial information, amino acid conservation, physicochemical variation, residue mobility, and thermodynamic stability) indicates that this missense variant is expected to disrupt RTN4IP1 protein function with a positive predictive value of 80%. In summary, the available evidence is currently insufficient to determine the role of this variant in disease. Therefore, it has been classified as a Variant of Uncertain Significance.

NM_032730.5(RTN4IP1):c.679G>C (p.Ala227Pro)

Gene: RTN4IP1 (reticulon 4 interacting protein 1; minus strand). Cytogenetic location: 6q21.
Variant type: single nucleotide variant.
Coding change: c.679G>C on transcript NM_032730.5 (MANE Select); coding-DNA position 679, G replaced by C.
Protein change: p.Ala227Pro; replaces alanine 227 with proline.
Molecular consequence: missense variant.
Genome position (GRCh38, 1-based): chr6:106,592,291, C>G on the plus strand (G>C on the coding strand, the complement: RTN4IP1 is on the minus strand). VCF-style: chr6-106592291-C-G. GRCh37 (hg19) VCF-style: chr6-107040166-C-G.
Other names: c.379G>C, p.Ala127Pro (NM_001318746.1); short protein forms A127P, A227P.
Identifiers: ClinVar variation 1939172 (VCV001939172.3), dbSNP rs1266310687, ClinGen allele CA365156736.